The following is an entry in ClinVar:

NM_182943.3(PLOD2):c.*37A>G

Gene: PLOD2 (procollagen-lysine,2-oxoglutarate 5-dioxygenase 2; minus strand). Cytogenetic location: 3q24.
Variant type: single nucleotide variant.
Coding change: c.*37A>G on transcript NM_182943.3 (MANE Select); 37 bases downstream of the stop codon, A replaced by G.
Molecular consequence: 3 prime UTR variant.
Genome position (GRCh38, 1-based): chr3:146,070,680, T>C on the plus strand (A>G on the coding strand, the complement: PLOD2 is on the minus strand). VCF-style: chr3-146070680-T-C. GRCh37 (hg19) VCF-style: chr3-145788467-T-C.
Other names: c.*37A>G (NM_000935.3).
Identifiers: ClinVar variation 343643 (VCV000343643.9), dbSNP rs6710, ClinGen allele CA2654656.

ClinVar aggregate classification (germline): Benign. Review status: criteria provided, multiple submitters, no conflicts (2 of 4 stars). 4 submissions from 4 submitters: Benign (4). Last evaluated 2021-10-25.

Conditions:
Bruck syndrome 2 (BRKS2). Also called: OSTEOGENESIS IMPERFECTA WITH CONGENITAL JOINT CONTRACTURES. Identifiers: Orphanet 2771, MedGen C1836602, MONDO:0012217, OMIM 609220.

Allele frequency attached by ClinVar (database versions not stated): gnomAD exomes 0.49303 and 0.50087; ExAC 0.50306; 1000 Genomes Project 0.51118; 1000 Genomes Project 30x 0.51437; gnomAD 0.51581 and 0.51778; TOPMed 0.51776; ESP Exome Variant Server 0.51839.
gnomAD v4.1: 712,890 of 1,436,042 alleles (50%); highest among the groups gnomAD compares: African/African-American, 55%; 178,195 homozygotes.

Submissions (4):

Genome-Nilou Lab
Classification: Benign for Bruck syndrome 2. Last evaluated: 2021-10-25. Review status: criteria provided, single submitter. Criteria: ACMG Guidelines, 2015. Collection method: clinical testing. Allele origin: germline. Affected: no.

GeneDx
Classification: Benign. Last evaluated: 2018-06-14. Review status: criteria provided, single submitter. Criteria: GeneDx Variant Classification Process June 2021. Collection method: clinical testing. Allele origin: germline. Affected: yes.

Illumina Laboratory Services, Illumina
Classification: Benign for Bruck syndrome 2. Last evaluated: 2018-01-13. Review status: criteria provided, single submitter. Criteria: ICSL Variant Classification Criteria 13 December 2019. Collection method: clinical testing. Allele origin: germline.
Comment: This variant was observed in the ICSL laboratory as part of a predisposition screen in an ostensibly healthy population. It had not been previously curated by ICSL or reported in the Human Gene Mutation Database (HGMD: prior to June 1st, 2018), and was therefore a candidate for classification through an automated scoring system. Utilizing variant allele frequency, disease prevalence and penetrance estimates, and inheritance mode, an automated score was calculated to assess if this variant is too frequent to cause the disease. Based on the score and internal cut-off values, a variant classified as benign is not then subjected to further curation. The score for this variant resulted in a classification of benign for this disease.

Breakthrough Genomics
Classification: Benign. Review status: criteria provided, single submitter. Criteria: ACMG Guidelines, 2015. Collection method: not provided. Allele origin: germline. Inheritance: Autosomal recessive inheritance. Affected: yes.